The following is an entry in ClinVar:

NM_000944.5(PPP3CA):c.1340-1G>C

Gene: PPP3CA (protein phosphatase 3 catalytic subunit alpha; minus strand). Cytogenetic location: 4q24.
Variant type: single nucleotide variant.
Coding change: c.1340-1G>C on transcript NM_000944.5 (MANE Select); the canonical splice acceptor site of the intron before coding-DNA position 1340, G replaced by C.
Molecular consequence: splice acceptor variant. On other transcripts: intron variant (2).
Genome position (GRCh38, 1-based): chr4:101,029,196, C>G on the plus strand (G>C on the coding strand, the complement: PPP3CA is on the minus strand). VCF-style: chr4-101029196-C-G. GRCh37 (hg19) VCF-style: chr4-101950353-C-G.
Other names: c.1213+3071G>C (NM_001130692.2); c.1339+3071G>C (NM_001130691.2).
Identifiers: ClinVar variation 2819282 (VCV002819282.3), dbSNP rs2476203153, ClinGen allele CA357947936.

ClinVar aggregate classification (germline): Pathogenic (1 of 4 stars; one submission).

Submission:

Labcorp Genetics (formerly Invitae), Labcorp
Classification: Pathogenic. Last evaluated: 2022-12-07. Review status: criteria provided, single submitter. Criteria: Invitae Variant Classification Sherloc (09022015). Collection method: clinical testing. Allele origin: germline.
Comment: For these reasons, this variant has been classified as Pathogenic. Algorithms developed to predict the effect of sequence changes on RNA splicing suggest that this variant may disrupt the consensus splice site. Disruption of this splice site has been observed in individual(s) with PPP3CA-related conditions (PMID: 30951195). In at least one individual the variant was observed to be de novo. This variant is not present in population databases (gnomAD no frequency). This sequence change affects an acceptor splice site in intron 12 of the PPP3CA gene. It is expected to disrupt RNA splicing. Variants that disrupt the donor or acceptor splice site typically lead to a loss of protein function (PMID: 16199547), and loss-of-function variants in PPP3CA are known to be pathogenic (PMID: 28942967, 29432562, 30455226, 30951195).

Literature cited by the submitters: PubMed 30951195; PubMed 16199547; PubMed 28942967; PubMed 29432562; PubMed 30455226.